The following is an entry in ClinVar:

ClinVar aggregate classification (germline): Uncertain significance (1 of 4 stars; one submission).

Conditions:
X-linked immunodeficiency with magnesium defect, Epstein-Barr virus infection and neoplasia. Identifiers: Orphanet 317476, MedGen C3275445, MONDO:0010455, OMIM 300853.

Submission:

Labcorp Genetics (formerly Invitae), Labcorp
Classification: Uncertain significance for X-linked immunodeficiency with magnesium defect, Epstein-Barr virus infection and neoplasia. Last evaluated: 2026-02-01. Review status: criteria provided, single submitter. Criteria: Invitae Variant Classification Sherloc (09022015). Collection method: clinical testing. Allele origin: germline.
Comment: This sequence change replaces aspartic acid, which is acidic and polar, with tyrosine, which is neutral and polar, at codon 152 of the MAGT1 protein (p.Asp152Tyr). This variant is not present in population databases (gnomAD no frequency). This variant has not been reported in the literature in individuals affected with MAGT1-related conditions. Invitae Evidence Modeling of protein sequence and biophysical properties (such as structural, functional, and spatial information, amino acid conservation, physicochemical variation, residue mobility, and thermodynamic stability) indicates that this missense variant is expected to disrupt MAGT1 protein function with a positive predictive value of 80%. In summary, the available evidence is currently insufficient to determine the role of this variant in disease. Therefore, it has been classified as a Variant of Uncertain Significance.

NM_001367916.1(MAGT1):c.358G>T (p.Asp120Tyr)

Gene: MAGT1 (magnesium transporter 1; minus strand). Cytogenetic location: Xq21.1.
Variant type: single nucleotide variant.
Coding change: c.358G>T on transcript NM_001367916.1 (MANE Select); coding-DNA position 358, G replaced by T.
Protein change: p.Asp120Tyr; replaces aspartic acid 120 with tyrosine.
Molecular consequence: missense variant.
Genome position (GRCh38, 1-based): chrX:77,870,840, C>A on the plus strand (G>T on the coding strand, the complement: MAGT1 is on the minus strand). VCF-style: chrX-77870840-C-A. GRCh37 (hg19) VCF-style: chrX-77126337-C-A.
Other names: c.454G>T, p.Asp152Tyr (NM_032121.5); short protein forms D120Y, D152Y.
Identifiers: ClinVar variation 4744893 (VCV004744893.1).